The following is an entry in ClinVar:

ClinVar aggregate classification (germline): Uncertain significance (1 of 4 stars; one submission).

Conditions:
Peutz-Jeghers syndrome (PJS). Also called: POLYPOSIS, HAMARTOMATOUS INTESTINAL; POLYPS-AND-SPOTS SYNDROME; Peutz-Jeghers polyposis; Periorificial lentiginosis syndrome. Identifiers: Orphanet 2869, MedGen C0031269, MeSH D010580, MONDO:0008280, OMIM 175200.

Submission:

Labcorp Genetics (formerly Invitae), Labcorp
Classification: Uncertain significance for Peutz-Jeghers syndrome. Last evaluated: 2019-10-31. Review status: criteria provided, single submitter. Criteria: Invitae Variant Classification Sherloc (09022015). Collection method: clinical testing. Allele origin: germline.
Comment: This variant is a gross duplication of the genomic region encompassing exons 1-7 of the STK11 gene. The 5' end of this event is unknown as it extends beyond the assayed region for this gene and therefore may encompass additional genes. The 3' boundary is likely confined to intron 7 of the STK11 gene. This variant has not been reported in the literature in individuals with an STK11-related disease. In summary, this is a sub-genic duplication involving the first coding exon of the STK11 gene. However, the genomic location and orientation of the duplicated sequence are unknown. For these reasons, this change has been classified as a Variant of Uncertain Significance.

NC_000019.9:g.(?_1206903)_(1222015_?)dup

Genes: STK11 (serine/threonine kinase 11; plus strand), LOC130062898 (ATAC-STARR-seq lymphoblastoid active region 13596; plus strand), LOC110006317 (serine/threonine kinase 11 intron 1 Alu-mediated recombination region; plus strand), LOC110006318 (serine/threonine kinase 11 intron 3 Alu-mediated recombination region; plus strand), LOC121627843 (Sharpr-MPRA regulatory region 9448; plus strand) and 3 more. Cytogenetic location: 19p13.3.
Variant type: Duplication.
Identifiers: ClinVar variation 655761 (VCV000655761.2).